The following is an entry in ClinVar:

ClinVar aggregate classification (germline): Uncertain significance. Review status: criteria provided, multiple submitters, no conflicts (2 of 4 stars). 11 submissions from 11 submitters: Uncertain significance (9). 2 of the submissions do not count toward it. Last evaluated 2025-12-08.

Conditions:
Hereditary cancer-predisposing syndrome. Also called: Neoplastic Syndromes, Hereditary; Hereditary Cancer Syndrome; Tumor predisposition; Hereditary neoplastic syndrome. Identifiers: Orphanet 140162, MedGen C0027672, MeSH D009386, MONDO:0015356.
Aplastic anemia. Identifiers: Orphanet 182040, Orphanet 88, MedGen C0002874, MONDO:0015909, OMIM 609135, HP:0001915.
Microcephaly, normal intelligence and immunodeficiency (NBS). Also called: Nijmegen breakage syndrome; Microcephaly with normal intelligence immunodeficiency and lymphoreticular malignancies; Nonsyndromal microcephaly autosomal recessive with normal intelligence; Seemanova syndrome 2; BERLIN BREAKAGE SYNDROME; SEEMANOVA SYNDROME II. Identifiers: Orphanet 647, MedGen C0398791, MONDO:0009623, OMIM 251260.

Allele frequency attached by ClinVar (database versions not stated): ExAC 0.00001; gnomAD 0.00003 and 0.00004; TOPMed 0.00004.
gnomAD v4.1: 59 of 1,613,338 alleles (0.0037%); highest among the groups gnomAD compares: Non-Finnish European, 0.0045%; no homozygotes.

Submissions (11):

Labcorp Genetics (formerly Invitae), Labcorp
Classification: Uncertain significance for Microcephaly, normal intelligence and immunodeficiency. Last evaluated: 2025-12-08. Review status: criteria provided, single submitter. Criteria: Invitae Variant Classification Sherloc (09022015). Collection method: clinical testing. Allele origin: germline.
Comment: This sequence change replaces glycine, which is neutral and non-polar, with alanine, which is neutral and non-polar, at codon 75 of the NBN protein (p.Gly75Ala). This variant is present in population databases (rs587782179, gnomAD 0.002%). This variant has not been reported in the literature in individuals affected with NBN-related conditions. ClinVar contains an entry for this variant (Variation ID: 142014). An algorithm developed to predict the effect of missense changes on protein structure and function (PolyPhen-2) suggests that this variant is likely to be disruptive. In summary, the available evidence is currently insufficient to determine the role of this variant in disease. Therefore, it has been classified as a Variant of Uncertain Significance.

GeneDx
Classification: Uncertain significance. Last evaluated: 2025-09-23. Review status: criteria provided, single submitter. Criteria: GeneDx Variant Classification Process June 2021. Collection method: clinical testing. Allele origin: germline. Affected: yes.
Comment: Not observed at significant frequency in large population cohorts (gnomAD); In silico analysis supports that this missense variant has a deleterious effect on protein structure/function; Observed in an individual with MMR-proficient colorectal cancer, as well as cases and controls in a breast cancer study (PMID: 27978560, 33471991); This variant is associated with the following publications: (PMID: 28569743, 33471991, 24894818, 27978560, 36346689)

Baylor Genetics
Classification: Uncertain significance for Aplastic anemia. Last evaluated: 2024-03-10. Review status: criteria provided, single submitter. Criteria: ACMG Guidelines, 2015. Collection method: clinical testing. Allele origin: unknown.

Ambry Genetics
Classification: Uncertain significance for Hereditary cancer-predisposing syndrome. Last evaluated: 2023-06-10. Review status: criteria provided, single submitter. Criteria: Ambry Variant Classification Scheme 2023. Collection method: clinical testing. Allele origin: germline.
Comment: The p.G75A variant (also known as c.224G>C), located in coding exon 3 of the NBN gene, results from a G to C substitution at nucleotide position 224. The glycine at codon 75 is replaced by alanine, an amino acid with similar properties. This alteration has been previously identified in an individual from a North American cohort of individuals with early onset colon cancer (Pearlman R et al. JAMA Oncol, 2017 Apr;3:464-471). Additionally, this variant was reported in 3/60,466 breast cancer cases and in 2/53,461 controls (Dorling et al. N Engl J Med. 2021 02;384:428-439). This amino acid position is highly conserved in available vertebrate species. In addition, this alteration is predicted to be deleterious by in silico analysis. Since supporting evidence is limited at this time, the clinical significance of this alteration remains unclear.

Women's Health and Genetics/Laboratory Corporation of America, LabCorp
Classification: Uncertain significance. Last evaluated: 2022-09-26. Review status: criteria provided, single submitter. Criteria: LabCorp Variant Classification Summary - May 2015. Collection method: clinical testing. Allele origin: germline.
Comment: Variant summary: NBN c.224G>C (p.Gly75Ala) results in a non-conservative amino acid change located in the Forkhead-associated (FHA) domain (IPR000253) of the encoded protein sequence. Five of five in-silico tools predict a damaging effect of the variant on protein function. The variant allele was found at a frequency of 8e-06 in 251334 control chromosomes (gnomAD). The available data on variant occurrences in the general population are insufficient to allow any conclusion about variant significance. c.224G>C has been reported in the literature in at-least one individual affected with MMR proficient sigmoid colon cancer (Pearlman_2016). This report does not provide unequivocal conclusions about association of the variant with Nijmegen Breakage Syndrome. To our knowledge, no experimental evidence demonstrating an impact on protein function has been reported. Nine clinical diagnostic laboratories have submitted clinical-significance assessments for this variant to ClinVar after 2014 and all classified the variant as uncertain significance. Based on the evidence outlined above, the variant was classified as uncertain significance.

Sema4
Classification: Uncertain significance for Hereditary cancer-predisposing syndrome. Last evaluated: 2022-03-05. Review status: criteria provided, single submitter. Criteria: Sema4 Curation Guidelines. Collection method: curation. Allele origin: germline.
Comment: The NBN c.224G>C (p.G75A) variant has been reported in heterozygosity in at least one individual with colorectal cancer (PMID: 27978560). It has also been reported in a case-control study in 3/60466 breast cancer cases and in 2/53461 controls (PMID: 33471991). This variant was observed in 2/113680 chromosomes in the Non-Finnish European population, according to the Genome Aggregation Database (PMID: 32461654). The variant has been reported in ClinVar (Variation ID: 142014). In silico tools suggest the impact of the variant on protein function is deleterious, though these predictions have not been confirmed by functional studies. The evidence is insufficient to meet ACMG/AMP criteria for classifying the variant as benign or pathogenic. Thus, the clinical significance of this variant is currently uncertain.

Genome-Nilou Lab
Classification: Uncertain significance for Microcephaly, normal intelligence and immunodeficiency. Last evaluated: 2021-11-07. Review status: criteria provided, single submitter. Criteria: ACMG Guidelines, 2015. Collection method: clinical testing. Allele origin: germline. Affected: no.

St. Jude Molecular Pathology, St. Jude Children's Research Hospital
Classification: Uncertain significance for Microcephaly, normal intelligence and immunodeficiency. Last evaluated: 2021-08-19. Review status: criteria provided, single submitter. Criteria: St. Jude Assertion Criteria 2020. Collection method: clinical testing. Allele origin: germline.
Comment: The NBN c.224G>C (p.Gly75Ala) missense change has a maximum subpopulation frequency of 0.0018% in gnomAD v2.1.1 (PM2_supporting). Six of seven in silico tools predict a deleterious effect of this variant on protein function (PP3), but to our knowledge these predictions have not been confirmed by functional assays. It is also present 1x in the FLOSSIES database which contains genetic variants from women older than 70 years of age who have never had cancer. To our knowledge, this variant has not been reported in individuals with Nijmegan breakage syndrome or breast cancer. In summary, this variant meets criteria to be classified as of uncertain significance based on the ACMG/AMP criteria: PM2_supporting, PP3.

Blueprint Genetics
Classification: Uncertain significance. Last evaluated: 2019-04-24. Review status: criteria provided, single submitter. Criteria: ACMG Guidelines, 2015. Collection method: clinical testing. Allele origin: germline.

Natera, Inc.
Classification: Uncertain significance for Nijmegen breakage syndrome. Last evaluated: 2020-09-16. Review status: no assertion criteria provided. Collection method: clinical testing. Allele origin: germline. Not counted in ClinVar's aggregate classification.

Counsyl
Classification: Uncertain significance for Microcephaly, normal intelligence and immunodeficiency. Last evaluated: 2017-05-04. Review status: no assertion criteria provided. Collection method: clinical testing. Allele origin: unknown. Not counted in ClinVar's aggregate classification.

Literature cited by the submitters: PubMed 27978560 (cited by 3 submitters); PubMed 33471991 (cited by Ambry Genetics and Sema4).

NM_002485.5(NBN):c.224G>C (p.Gly75Ala)

Gene: NBN (nibrin; minus strand). Cytogenetic location: 8q21.3.
Variant type: single nucleotide variant.
Coding change: c.224G>C on transcript NM_002485.5 (MANE Select); coding-DNA position 224, G replaced by C.
Protein change: p.Gly75Ala; replaces glycine 75 with alanine.
Molecular consequence: missense variant. On other transcripts: 5 prime UTR variant (1).
Genome position (GRCh38, 1-based): chr8:89,981,471, C>G on the plus strand (G>C on the coding strand, the complement: NBN is on the minus strand). VCF-style: chr8-89981471-C-G. GRCh37 (hg19) VCF-style: chr8-90993699-C-G.
Other names: c.-23G>C (NM_001024688.3); short protein forms G75A.
Identifiers: ClinVar variation 142014 (VCV000142014.33), dbSNP rs587782179, ClinGen allele CA167130.
Genomic context (GRCh38, chr8:89,981,471, plus strand): 5'-TCCCCCGACTTCAAAGTTCGGGAAAAGCCATTCTGCATTTTTTCCTCATTAACAAAGGTA[C>G]CATACTTAGAATTATCTTTTAATGTCAATACAGGGATTTCATCTGTTTGACTCTGAAAAG-3'
Protein context (NP_002476.2, residues 65-85): VLTLKDNSKY[Gly75Ala]TFVNEEKMQN